The following is an entry in ClinVar:

NM_001165963.4(SCN1A):c.4682A>G (p.Glu1561Gly)

Genes: SCN1A (sodium voltage-gated channel alpha subunit 1; minus strand), LOC102724058 (uncharacterized LOC102724058; plus strand). Cytogenetic location: 2q24.3.
Variant type: single nucleotide variant.
Coding change: c.4682A>G on transcript NM_001165963.4 (MANE Select); coding-DNA position 4682, A replaced by G.
Protein change: p.Glu1561Gly; replaces glutamic acid 1561 with glycine.
Molecular consequence: missense variant. On other transcripts: non-coding transcript variant (1).
Genome position (GRCh38, 1-based): chr2:165,994,316, T>C on the plus strand (A>G on the coding strand, the complement: SCN1A is on the minus strand). VCF-style: chr2-165994316-T-C. GRCh37 (hg19) VCF-style: chr2-166850826-T-C.
Other names: c.4598A>G, p.Glu1533Gly (NM_001165964.3, NM_001353957.2, NM_001353958.2); c.4682A>G, p.Glu1561Gly (NM_001202435.3, NM_001353948.2); c.4649A>G, p.Glu1550Gly (NM_001353949.2, NM_001353950.2, NM_001353951.2 and 2 more transcripts); c.4646A>G, p.Glu1549Gly (NM_001353954.2, NM_001353955.2); c.4595A>G, p.Glu1532Gly (NM_001353960.2); c.2240A>G, p.Glu747Gly (NM_001353961.2); short protein forms E1532G, E1549G, E1533G, E747G, E1550G, E1561G.
Identifiers: ClinVar variation 659736 (VCV000659736.9), dbSNP rs1573964264, ClinGen allele CA349072079.

ClinVar aggregate classification (germline): Likely pathogenic (1 of 4 stars; one submission).

Conditions:
Early-infantile DEE. Also called: Early infantile epileptic encephalopathy; Ohtahara syndrome; Early infantile epileptic encephalopathy with suppression bursts. Identifiers: Orphanet 1934, MedGen C0393706, MONDO:0800491.

Submission:

Labcorp Genetics (formerly Invitae), Labcorp
Classification: Likely pathogenic for Early-infantile DEE. Last evaluated: 2022-07-18. Review status: criteria provided, single submitter. Criteria: Invitae Variant Classification Sherloc (09022015). Collection method: clinical testing. Allele origin: germline.
Comment: In summary, the currently available evidence indicates that the variant is pathogenic, but additional data are needed to prove that conclusively. Therefore, this variant has been classified as Likely Pathogenic. This variant disrupts the p.Glu1561 amino acid residue in SCN1A. Other variant(s) that disrupt this residue have been determined to be pathogenic (Invitae). This suggests that this residue is clinically significant, and that variants that disrupt this residue are likely to be disease-causing. Advanced modeling of protein sequence and biophysical properties (such as structural, functional, and spatial information, amino acid conservation, physicochemical variation, residue mobility, and thermodynamic stability) performed at Invitae indicates that this missense variant is expected to disrupt SCN1A protein function. ClinVar contains an entry for this variant (Variation ID: 659736). This variant has not been reported in the literature in individuals affected with SCN1A-related conditions. This variant is not present in population databases (gnomAD no frequency). This sequence change replaces glutamic acid, which is acidic and polar, with glycine, which is neutral and non-polar, at codon 1561 of the SCN1A protein (p.Glu1561Gly).